The following is an entry in ClinVar:

ClinVar aggregate classification (germline): Pathogenic. Review status: criteria provided, single submitter (1 of 4 stars). 2 submissions from 2 submitters: Pathogenic (1). 1 of the submissions does not count toward it. Last evaluated 2025-06-13.

Conditions:
Myokymia 1. Identifiers: MedGen C2674766.

Submissions (2):

GeneDx
Classification: Pathogenic. Last evaluated: 2025-06-13. Review status: criteria provided, single submitter. Criteria: GeneDx Variant Classification Process June 2021. Collection method: clinical testing. Allele origin: germline. Affected: yes.
Comment: Published functional studies demonstrate a loss of function with this variant compared to wildtype expression (PMID: 17136396, 39793113); Not observed at significant frequency in large population cohorts (gnomAD); In silico analysis supports that this missense variant has a deleterious effect on protein structure/function; This variant is associated with the following publications: (PMID: 22965560, 17395136, 17136396, 32316562, 39793113, 37422902)

OMIM
Classification: Pathogenic for MYOKYMIA 1. Last evaluated: 2007-04-01. Review status: no assertion criteria provided. Collection method: literature only. Allele origin: germline. Not counted in ClinVar's aggregate classification.

Literature cited by the submitters: PubMed 17136396 (cited by OMIM).

NM_000217.3(KCNA1):c.677C>A (p.Thr226Lys)

Gene: KCNA1 (potassium voltage-gated channel subfamily A member 1; plus strand). Cytogenetic location: 12p13.32.
Variant type: single nucleotide variant.
Coding change: c.677C>A on transcript NM_000217.3 (MANE Select); coding-DNA position 677, C replaced by A.
Protein change: p.Thr226Lys; replaces threonine 226 with lysine.
Molecular consequence: missense variant.
Genome position (GRCh38, 1-based): chr12:4,912,055, C>A. VCF-style: chr12-4912055-C-A. GRCh37 (hg19) VCF-style: chr12-5021221-C-A.
Other names: c.677C>A (NM_000217.2); short protein forms T226K.
Identifiers: ClinVar variation 13493 (VCV000013493.2), dbSNP rs28933383, ClinGen allele CA123138.